The following is an entry in ClinVar:

ClinVar aggregate classification (germline): Uncertain significance (1 of 4 stars; one submission).

Allele frequency attached by ClinVar (database versions not stated): gnomAD exomes below 0.00001 and 0.00001; ExAC 0.00001; gnomAD 0.00001; TOPMed 0.00001.

Submission:

GeneDx
Classification: Uncertain significance. Last evaluated: 2019-03-25. Review status: criteria provided, single submitter. Criteria: GeneDx Variant Classification Process June 2021. Collection method: clinical testing. Allele origin: germline. Affected: yes.
Comment: Not observed at a significant frequency in large population cohorts (Lek et al., 2016); Has not been previously published as pathogenic or benign to our knowledge

NM_001267550.2(TTN):c.88873G>A (p.Val29625Ile)

Genes: TTN (titin; minus strand), TTN-AS1 (TTN antisense RNA 1; plus strand). Cytogenetic location: 2q31.2.
Variant type: single nucleotide variant.
Coding change: c.88873G>A on transcript NM_001267550.2 (MANE Select); coding-DNA position 88873, G replaced by A.
Protein change: p.Val29625Ile; replaces valine 29625 with isoleucine.
Molecular consequence: missense variant.
Genome position (GRCh38, 1-based): chr2:178,554,474, C>T on the plus strand (G>A on the coding strand, the complement: TTN is on the minus strand). VCF-style: chr2-178554474-C-T. GRCh37 (hg19) VCF-style: chr2-179419201-C-T.
Other names: c.83950G>A, p.Val27984Ile (NM_001256850.1); c.61678G>A, p.Val20560Ile (NM_003319.4); c.81169G>A, p.Val27057Ile (NM_133378.4); c.62053G>A, p.Val20685Ile (NM_133432.3); c.62254G>A, p.Val20752Ile (NM_133437.4); short protein forms V20560I, V20685I, V20752I, V27057I, V27984I, V29625I.
Identifiers: ClinVar variation 1308329 (VCV001308329.2), dbSNP rs764499992, ClinGen allele CA1988044.